The following is an entry in ClinVar:

NM_005566.4(LDHA):c.163G>A (p.Glu55Lys)

Gene: LDHA (lactate dehydrogenase A; plus strand). Cytogenetic location: 11p15.1.
Variant type: single nucleotide variant.
Coding change: c.163G>A on transcript NM_005566.4 (MANE Select); coding-DNA position 163, G replaced by A.
Protein change: p.Glu55Lys; replaces glutamic acid 55 with lysine.
Molecular consequence: missense variant.
Genome position (GRCh38, 1-based): chr11:18,399,467, G>A. VCF-style: chr11-18399467-G-A. GRCh37 (hg19) VCF-style: chr11-18421014-G-A.
Other names: c.163G>A, p.Glu55Lys (NM_001135239.2, NM_001165415.2, NM_001165416.2); c.250G>A, p.Glu84Lys (NM_001165414.2); short protein forms E84K, E55K.
Identifiers: ClinVar variation 1047167 (VCV001047167.6), dbSNP rs144856598, ClinGen allele CA5911210.
Genomic context (GRCh38, chr11:18,399,467, plus strand): 5'-AACTAAAGATTTGATGTCTTTTAGGACTTGGCAGATGAACTTGCTCTTGTTGATGTCATC[G>A]AAGACAAATTGAAGGGAGAGATGATGGATCTCCAACATGGCAGCCTTTTCCTTAGAACAC-3'
Protein context (NP_005557.1, residues 45-65): ADELALVDVI[Glu55Lys]DKLKGEMMDL

ClinVar aggregate classification (germline): Uncertain significance (1 of 4 stars; one submission).

Conditions:
Glycogen storage disease due to lactate dehydrogenase M-subunit deficiency (GSD11). Also called: Glycogen storage disease XI; GSD XI; LACTATE DEHYDROGENASE A DEFICIENCY. Identifiers: Orphanet 284426, MedGen C2931743, MONDO:0013047, OMIM 612933.

Allele frequency attached by ClinVar (database versions not stated): ExAC 0.00001; gnomAD exomes 0.00002 and 0.00001; TOPMed 0.00002; gnomAD 0.00001; ESP Exome Variant Server 0.00008.
gnomAD v4.1: 10 of 1,613,398 alleles (0.00062%); highest among the groups gnomAD compares: Admixed American, 0.01%; no homozygotes.

Submission:

Labcorp Genetics (formerly Invitae), Labcorp
Classification: Uncertain significance for Glycogen storage disease due to lactate dehydrogenase M-subunit deficiency. Last evaluated: 2021-08-31. Review status: criteria provided, single submitter. Criteria: Invitae Variant Classification Sherloc (09022015). Collection method: clinical testing. Allele origin: germline.
Comment: This sequence change replaces glutamic acid with lysine at codon 55 of the LDHA protein (p.Glu55Lys). The glutamic acid residue is moderately conserved and there is a small physicochemical difference between glutamic acid and lysine. This variant is present in population databases (rs144856598, ExAC 0.009%). This variant has not been reported in the literature in individuals affected with LDHA-related conditions. Algorithms developed to predict the effect of missense changes on protein structure and function (SIFT, PolyPhen-2, Align-GVGD) all suggest that this variant is likely to be tolerated. In summary, the available evidence is currently insufficient to determine the role of this variant in disease. Therefore, it has been classified as a Variant of Uncertain Significance.